The following is an entry in ClinVar:

NM_000489.6(ATRX):c.766A>G (p.Ile256Val)

Gene: ATRX (ATRX chromatin remodeler; minus strand). Cytogenetic location: Xq21.1.
Variant type: single nucleotide variant.
Coding change: c.766A>G on transcript NM_000489.6 (MANE Select); coding-DNA position 766, A replaced by G.
Protein change: p.Ile256Val; replaces isoleucine 256 with valine.
Molecular consequence: missense variant.
Genome position (GRCh38, 1-based): chrX:77,684,490, T>C on the plus strand (A>G on the coding strand, the complement: ATRX is on the minus strand). VCF-style: chrX-77684490-T-C. GRCh37 (hg19) VCF-style: chrX-76939982-T-C.
Other names: c.652A>G, p.Ile218Val (NM_138270.5); short protein forms I218V, I256V.
Identifiers: ClinVar variation 1718548 (VCV001718548.7), dbSNP rs2520025757, ClinGen allele CA413720714.

ClinVar aggregate classification (germline): Uncertain significance. Review status: criteria provided, single submitter (1 of 4 stars). 2 submissions from 2 submitters: Uncertain significance (1). 1 of the submissions does not count toward it. Last evaluated 2022-09-01.

Conditions:
Alpha thalassemia-X-linked intellectual disability syndrome (ATRX). Also called: ALPHA-THALASSEMIA/MENTAL RETARDATION SYNDROME, X-LINKED; ATR, NONDELETION TYPE; X-linked alpha-thalassemia-mental retardation syndrome; ATR-X syndrome; Alpha thalassemia mental retardation syndrome, nondeletion type, X-linked; XLMR hypotonic face syndrome. Identifiers: Orphanet 847, MedGen C1845055, MONDO:0010519, OMIM 301040.

Submissions (2):

Labcorp Genetics (formerly Invitae), Labcorp
Classification: Uncertain significance for Alpha thalassemia-X-linked intellectual disability syndrome. Last evaluated: 2022-09-01. Review status: criteria provided, single submitter. Criteria: Invitae Variant Classification Sherloc (09022015). Collection method: clinical testing. Allele origin: germline.
Comment: In summary, the available evidence is currently insufficient to determine the role of this variant in disease. Therefore, it has been classified as a Variant of Uncertain Significance. Advanced modeling of protein sequence and biophysical properties (such as structural, functional, and spatial information, amino acid conservation, physicochemical variation, residue mobility, and thermodynamic stability) performed at Invitae indicates that this missense variant is expected to disrupt ATRX protein function. This variant has not been reported in the literature in individuals affected with ATRX-related conditions. This variant is not present in population databases (gnomAD no frequency). This sequence change replaces isoleucine, which is neutral and non-polar, with valine, which is neutral and non-polar, at codon 256 of the ATRX protein (p.Ile256Val).

Natera, Inc.
Classification: Uncertain significance for X-linked alpha-thalassemia-mental retardation syndrome. Last evaluated: 2025-01-29. Review status: no assertion criteria provided. Collection method: clinical testing. Allele origin: germline. Not counted in ClinVar's aggregate classification.